The following is an entry in ClinVar:

ClinVar aggregate classification (germline): Uncertain significance (1 of 4 stars; one submission).

Conditions:
Inborn genetic diseases. Identifiers: MedGen C0950123, MeSH D030342.

Submission:

Ambry Genetics
Classification: Uncertain significance for Inborn genetic diseases. Last evaluated: 2025-02-03. Review status: criteria provided, single submitter. Criteria: Ambry Variant Classification Scheme 2023. Collection method: clinical testing. Allele origin: germline.
Comment: The p.F271L variant (also known as c.813C>A), located in coding exon 7 of the HAX1 gene, results from a C to A substitution at nucleotide position 813. The phenylalanine at codon 271 is replaced by leucine, an amino acid with highly similar properties. This amino acid position is conserved. In addition, this alteration is predicted to be tolerated by in silico analysis. Based on the available evidence, the clinical significance of this variant remains unclear.

NM_006118.4(HAX1):c.813C>A (p.Phe271Leu)

Gene: HAX1 (HCLS1 associated protein X-1; plus strand). Cytogenetic location: 1q21.3.
Variant type: single nucleotide variant.
Coding change: c.813C>A on transcript NM_006118.4 (MANE Select); coding-DNA position 813, C replaced by A.
Protein change: p.Phe271Leu; replaces phenylalanine 271 with leucine.
Molecular consequence: missense variant.
Genome position (GRCh38, 1-based): chr1:154,275,674, C>A. VCF-style: chr1-154275674-C-A. GRCh37 (hg19) VCF-style: chr1-154248150-C-A.
Other names: c.669C>A, p.Phe223Leu (NM_001018837.2); short protein forms F223L, F271L.
Identifiers: ClinVar variation 3856883 (VCV003856883.1).